The following is an entry in ClinVar:

ClinVar aggregate classification (germline): Uncertain significance (1 of 4 stars; one submission).

Conditions:
Schuurs-Hoeijmakers syndrome. Also called: PACS1-Related Neurodevelopmental Disorder. Identifiers: Orphanet 329224, MedGen C3554343, MONDO:0014006, OMIM 615009.

gnomAD v4.1: 2 of 1,613,612 alleles (0.00012%); highest among the groups gnomAD compares: Admixed American, 0.0017%; no homozygotes.

Submission:

Labcorp Genetics (formerly Invitae), Labcorp
Classification: Uncertain significance for Schuurs-Hoeijmakers syndrome. Last evaluated: 2025-03-23. Review status: criteria provided, single submitter. Criteria: Invitae Variant Classification Sherloc (09022015). Collection method: clinical testing. Allele origin: germline.
Comment: This sequence change replaces proline, which is neutral and non-polar, with alanine, which is neutral and non-polar, at codon 800 of the PACS1 protein (p.Pro800Ala). This variant is present in population databases (rs766356651, gnomAD no frequency). This variant has not been reported in the literature in individuals affected with PACS1-related conditions. Invitae Evidence Modeling of protein sequence and biophysical properties (such as structural, functional, and spatial information, amino acid conservation, physicochemical variation, residue mobility, and thermodynamic stability) has been performed for this missense variant. However, the output from this modeling did not meet the statistical confidence thresholds required to predict the impact of this variant on PACS1 protein function. In summary, the available evidence is currently insufficient to determine the role of this variant in disease. Therefore, it has been classified as a Variant of Uncertain Significance.

NM_018026.4(PACS1):c.2398C>G (p.Pro800Ala)

Gene: PACS1 (phosphofurin acidic cluster sorting protein 1; plus strand). Cytogenetic location: 11q13.2.
Variant type: single nucleotide variant.
Coding change: c.2398C>G on transcript NM_018026.4 (MANE Select); coding-DNA position 2398, C replaced by G.
Protein change: p.Pro800Ala; replaces proline 800 with alanine.
Molecular consequence: missense variant.
Genome position (GRCh38, 1-based): chr11:66,239,246, C>G. VCF-style: chr11-66239246-C-G. GRCh37 (hg19) VCF-style: chr11-66006717-C-G.
Other names: short protein forms P800A.
Identifiers: ClinVar variation 4743859 (VCV004743859.1).